The following is an entry in ClinVar:

ClinVar aggregate classification (germline): Uncertain significance. Review status: criteria provided, multiple submitters, no conflicts (2 of 4 stars). 3 submissions from 3 submitters: Uncertain significance (3). Last evaluated 2025-02-02.

Conditions:
Inborn genetic diseases. Identifiers: MedGen C0950123, MeSH D030342.

Allele frequency attached by ClinVar (database versions not stated): gnomAD exomes 0.00006 and 0.00007; ExAC 0.00010; gnomAD 0.00029 and 0.00031; TOPMed 0.00031; 1000 Genomes Project 0.00040; 1000 Genomes Project 30x 0.00062; ESP Exome Variant Server 0.00069.
gnomAD v4.1: 143 of 1,614,214 alleles (0.0089%); highest among the groups gnomAD compares: African/African-American, 0.088%; no homozygotes.

Submissions (3):

Ambry Genetics
Classification: Uncertain significance for Inborn genetic diseases. Last evaluated: 2025-02-02. Review status: criteria provided, single submitter. Criteria: Ambry Variant Classification Scheme 2023. Collection method: clinical testing. Allele origin: germline.

GeneDx
Classification: Uncertain significance. Last evaluated: 2022-10-03. Review status: criteria provided, single submitter. Criteria: GeneDx Variant Classification Process June 2021. Collection method: clinical testing. Allele origin: germline. Affected: yes.
Comment: In silico analysis supports that this missense variant does not alter protein structure/function; Has not been previously published as pathogenic or benign to our knowledge; This variant is associated with the following publications: (PMID: 32579932, 26934580)

Genetic Services Laboratory, University of Chicago
Classification: Uncertain significance. Last evaluated: 2016-12-28. Review status: criteria provided, single submitter. Criteria: ACMG Guidelines, 2015. Collection method: clinical testing. Allele origin: germline. Affected: no.

NM_133444.3(ZNF526):c.1981G>A (p.Gly661Arg)

Gene: ZNF526 (zinc finger protein 526; plus strand). Cytogenetic location: 19q13.2.
Variant type: single nucleotide variant.
Coding change: c.1981G>A on transcript NM_133444.3 (MANE Select); coding-DNA position 1981, G replaced by A.
Protein change: p.Gly661Arg; replaces glycine 661 with arginine.
Molecular consequence: missense variant.
Genome position (GRCh38, 1-based): chr19:42,226,384, G>A. VCF-style: chr19-42226384-G-A. GRCh37 (hg19) VCF-style: chr19-42730536-G-A.
Other names: c.1981G>A, p.Gly661Arg (NM_001314033.3); short protein forms G661R.
Identifiers: ClinVar variation 437390 (VCV000437390.9), dbSNP rs143303371, ClinGen allele CA9470692.